The following is an entry in ClinVar:

NM_000135.4(FANCA):c.3234C>G (p.Tyr1078Ter)

Gene: FANCA (FA complementation group A; minus strand). Cytogenetic location: 16q24.3.
Variant type: single nucleotide variant.
Coding change: c.3234C>G on transcript NM_000135.4 (MANE Select); coding-DNA position 3234, C replaced by G.
Protein change: p.Tyr1078Ter; replaces tyrosine 1078 with a stop codon.
Molecular consequence: nonsense.
Genome position (GRCh38, 1-based): chr16:89,749,735, G>C on the plus strand (C>G on the coding strand, the complement: FANCA is on the minus strand). VCF-style: chr16-89749735-G-C. GRCh37 (hg19) VCF-style: chr16-89816143-G-C.
Other names: c.3234C>G, p.Tyr1078Ter (NM_001286167.3); short protein forms Y1078*.
Identifiers: ClinVar variation 1322871 (VCV001322871.8), dbSNP rs764030196, ClinGen allele CA397486429.

ClinVar aggregate classification (germline): Pathogenic. Review status: criteria provided, multiple submitters, no conflicts (2 of 4 stars). 2 submissions from 2 submitters: Pathogenic (2). Last evaluated 2022-04-24.

Conditions:
Fanconi anemia complementation group A (FANCA). Also called: Fanconi anemia, group A; FANCA-Related Fanconi Anemia. Identifiers: Orphanet 84, MedGen C3469521, MONDO:0009215, OMIM 227650.
Fanconi anemia (FA). Also called: Fanconi's anemia. Identifiers: Orphanet 84, MedGen C0015625, MeSH D005199, MONDO:0019391.

Submissions (2):

Labcorp Genetics (formerly Invitae), Labcorp
Classification: Pathogenic for Fanconi anemia. Last evaluated: 2022-04-24. Review status: criteria provided, single submitter. Criteria: Invitae Variant Classification Sherloc (09022015). Collection method: clinical testing. Allele origin: germline.
Comment: This variant is not present in population databases (gnomAD no frequency). For these reasons, this variant has been classified as Pathogenic. ClinVar contains an entry for this variant (Variation ID: 1322871). This variant has not been reported in the literature in individuals affected with FANCA-related conditions. This sequence change creates a premature translational stop signal (p.Tyr1078*) in the FANCA gene. It is expected to result in an absent or disrupted protein product. Loss-of-function variants in FANCA are known to be pathogenic (PMID: 19367192).

Revvity Omics, Revvity
Classification: Pathogenic for Fanconi anemia complementation group A. Last evaluated: 2019-05-07. Review status: criteria provided, single submitter. Criteria: ACMG Guidelines, 2015. Collection method: clinical testing. Allele origin: germline.

Literature cited by the submitters: PubMed 19367192 (cited by Labcorp Genetics (formerly Invitae), Labcorp).